The following is an entry in ClinVar:

NM_021813.4(BACH2):c.2408C>T (p.Thr803Ile)

Gene: BACH2 (BACH transcriptional regulator 2; minus strand). Cytogenetic location: 6q15.
Variant type: single nucleotide variant.
Coding change: c.2408C>T on transcript NM_021813.4 (MANE Select); coding-DNA position 2408, C replaced by T.
Protein change: p.Thr803Ile; replaces threonine 803 with isoleucine.
Molecular consequence: missense variant.
Genome position (GRCh38, 1-based): chr6:89,932,526, G>A on the plus strand (C>T on the coding strand, the complement: BACH2 is on the minus strand). VCF-style: chr6-89932526-G-A. GRCh37 (hg19) VCF-style: chr6-90642245-G-A.
Other names: c.2408C>T (NM_021813.2); c.2408C>T, p.Thr803Ile (NM_001170794.2); short protein forms T803I.
Identifiers: ClinVar variation 3607940 (VCV003607940.4).

ClinVar aggregate classification (germline): Uncertain significance. Review status: criteria provided, multiple submitters, no conflicts (2 of 4 stars). 3 submissions from 3 submitters: Uncertain significance (3). Last evaluated 2026-01-05.

gnomAD v4.1: 4 of 1,614,076 alleles (0.00025%); highest among the groups gnomAD compares: South Asian, 0.0011%; no homozygotes.

Submissions (3):

Labcorp Genetics (formerly Invitae), Labcorp
Classification: Uncertain significance. Last evaluated: 2026-01-05. Review status: criteria provided, single submitter. Criteria: Invitae Variant Classification Sherloc (09022015). Collection method: clinical testing. Allele origin: germline.
Comment: This sequence change replaces threonine, which is neutral and polar, with isoleucine, which is neutral and non-polar, at codon 803 of the BACH2 protein (p.Thr803Ile). This variant is present in population databases (rs769816700, gnomAD 0.003%). This variant has not been reported in the literature in individuals affected with BACH2-related conditions. ClinVar contains an entry for this variant (Variation ID: 3607940). Invitae Evidence Modeling of protein sequence and biophysical properties (such as structural, functional, and spatial information, amino acid conservation, physicochemical variation, residue mobility, and thermodynamic stability) indicates that this missense variant is not expected to disrupt BACH2 protein function with a negative predictive value of 80%. In summary, the available evidence is currently insufficient to determine the role of this variant in disease. Therefore, it has been classified as a Variant of Uncertain Significance.

Ambry Genetics
Classification: Uncertain significance. Last evaluated: 2025-07-15. Review status: criteria provided, single submitter. Criteria: Ambry Variant Classification Scheme 2023. Collection method: clinical testing. Allele origin: germline.

Blueprint Genetics
Classification: Uncertain significance. Last evaluated: 2023-06-13. Review status: criteria provided, single submitter. Criteria: ACMG Guidelines, 2015. Collection method: clinical testing. Allele origin: germline.